The following is an entry in ClinVar:

NM_014846.4(WASHC5):c.1764+1G>C

Gene: WASHC5 (WASH complex subunit 5; minus strand). Cytogenetic location: 8q24.13.
Variant type: single nucleotide variant.
Coding change: c.1764+1G>C on transcript NM_014846.4 (MANE Select); the canonical splice donor site of the intron after coding-DNA position 1764, G replaced by C.
Molecular consequence: splice donor variant.
Genome position (GRCh38, 1-based): chr8:125,059,221, C>G on the plus strand (G>C on the coding strand, the complement: WASHC5 is on the minus strand). VCF-style: chr8-125059221-C-G. GRCh37 (hg19) VCF-style: chr8-126071463-C-G.
Other names: c.1320+1G>C (NM_001330609.2).
Identifiers: ClinVar variation 3067611 (VCV003067611.21), dbSNP rs2537341351, ClinGen allele CA372191624.
Genomic context (GRCh38, chr8:125,059,221, plus strand): 5'-GAGGTATGAATGAAGGCCAACTCTTTCCTAGCAACAGAGAATCTCACTGTTTTTTGCTTA[C>G]CTTTAGGAAGGTAGCTCTGAGTTTAGTAACCATGGATGGATTTACCCTTATGCTTTCTTG-3'

ClinVar aggregate classification (germline): Uncertain significance (1 of 4 stars; one submission).

Submission:

CeGaT Center for Human Genetics Tuebingen
Classification: Uncertain significance. Last evaluated: 2024-03-01. Review status: criteria provided, single submitter. Criteria: CeGaT Center For Human Genetics Tuebingen Variant Classification Criteria Version 2. Collection method: clinical testing. Allele origin: germline. Affected: yes. Observed: 1 variant allele.
Comment: WASHC5: PM2, PVS1:Moderate